The following is an entry in ClinVar:

ClinVar aggregate classification (germline): Uncertain significance. Review status: criteria provided, multiple submitters, no conflicts (2 of 4 stars). 2 submissions from 2 submitters: Uncertain significance (2). Last evaluated 2025-05-31.

Conditions:
Catecholaminergic polymorphic ventricular tachycardia 1. Also called: VENTRICULAR TACHYCARDIA, CATECHOLAMINERGIC POLYMORPHIC, 1, WITH OR WITHOUT ATRIAL DYSFUNCTION AND/OR DILATED CARDIOMYOPATHY; RYR2-Related Catecholaminergic Polymorphic Ventricular Tachycardia; VENTRICULAR TACHYCARDIA, STRESS-INDUCED POLYMORPHIC 1. Identifiers: Orphanet 3286, MedGen C1631597, MONDO:0011484, OMIM 604772.
Cardiovascular phenotype. Identifiers: MedGen CN230736.

Allele frequency attached by ClinVar (database versions not stated): gnomAD exomes below 0.00001.
gnomAD v4.1: 2 of 1,494,848 alleles (0.00013%); highest among the groups gnomAD compares: South Asian, 0.0013%; no homozygotes.

Submissions (2):

Ambry Genetics
Classification: Uncertain significance for Cardiovascular phenotype. Last evaluated: 2025-05-31. Review status: criteria provided, single submitter. Criteria: Ambry Variant Classification Scheme 2023. Collection method: clinical testing. Allele origin: germline.
Comment: The p.W2732L variant (also known as c.8195G>T), located in coding exon 54 of the RYR2 gene, results from a G to T substitution at nucleotide position 8195. The tryptophan at codon 2732 is replaced by leucine, an amino acid with similar properties. This amino acid position is highly conserved in available vertebrate species. In addition, this alteration is predicted to be deleterious by in silico analysis. Based on the available evidence, the clinical significance of this variant remains unclear.

Labcorp Genetics (formerly Invitae), Labcorp
Classification: Uncertain significance for Catecholaminergic polymorphic ventricular tachycardia 1. Last evaluated: 2022-03-19. Review status: criteria provided, single submitter. Criteria: Invitae Variant Classification Sherloc (09022015). Collection method: clinical testing. Allele origin: germline.
Comment: This sequence change replaces tryptophan, which is neutral and slightly polar, with leucine, which is neutral and non-polar, at codon 2732 of the RYR2 protein (p.Trp2732Leu). In summary, the available evidence is currently insufficient to determine the role of this variant in disease. Therefore, it has been classified as a Variant of Uncertain Significance. Advanced modeling of protein sequence and biophysical properties (such as structural, functional, and spatial information, amino acid conservation, physicochemical variation, residue mobility, and thermodynamic stability) performed at Invitae indicates that this missense variant is expected to disrupt RYR2 protein function. ClinVar contains an entry for this variant (Variation ID: 532314). This variant has not been reported in the literature in individuals affected with RYR2-related conditions. This variant is not present in population databases (gnomAD no frequency).

NM_001035.3(RYR2):c.8195G>T (p.Trp2732Leu)

Gene: RYR2 (ryanodine receptor 2; plus strand). Cytogenetic location: 1q43.
Variant type: single nucleotide variant.
Coding change: c.8195G>T on transcript NM_001035.3 (MANE Select); coding-DNA position 8195, G replaced by T.
Protein change: p.Trp2732Leu; replaces tryptophan 2732 with leucine.
Molecular consequence: missense variant.
Genome position (GRCh38, 1-based): chr1:237,658,009, G>T. VCF-style: chr1-237658009-G-T. GRCh37 (hg19) VCF-style: chr1-237821309-G-T.
Other names: c.8195G>T, p.Trp2732Leu (LRG_402t1); short protein forms W2732L.
Identifiers: ClinVar variation 532314 (VCV000532314.9), dbSNP rs1553271224, ClinGen allele CA345401258.